The following is an entry in ClinVar:

NM_013382.7(POMT2):c.118C>G (p.Arg40Gly)

Gene: POMT2 (protein O-mannosyltransferase 2; minus strand). Cytogenetic location: 14q24.3.
Variant type: single nucleotide variant.
Coding change: c.118C>G on transcript NM_013382.7 (MANE Select); coding-DNA position 118, C replaced by G.
Protein change: p.Arg40Gly; replaces arginine 40 with glycine.
Molecular consequence: missense variant.
Genome position (GRCh38, 1-based): chr14:77,320,564, G>C on the plus strand (C>G on the coding strand, the complement: POMT2 is on the minus strand). VCF-style: chr14-77320564-G-C. GRCh37 (hg19) VCF-style: chr14-77786907-G-C.
Other names: short protein forms R40G.
Identifiers: ClinVar variation 1393055 (VCV001393055.4), dbSNP rs755650000, ClinGen allele CA7286274.

ClinVar aggregate classification (germline): Uncertain significance. Review status: criteria provided, multiple submitters, no conflicts (2 of 4 stars). 2 submissions from 2 submitters: Uncertain significance (2). Last evaluated 2022-09-13.

Conditions:
Muscular dystrophy-dystroglycanopathy (congenital with brain and eye anomalies), type A2. Also called: MUSCULAR DYSTROPHY-DYSTROGLYCANOPATHY (CONGENITAL WITH BRAIN AND EYE ANOMALIES), TYPE A, 2; WALKER-WARBURG SYNDROME OR MUSCLE-EYE-BRAIN DISEASE, POMT2-RELATED. Identifiers: Orphanet 588, Orphanet 899, MedGen C3150411, MONDO:0013154, OMIM 613150.
Autosomal recessive limb-girdle muscular dystrophy type 2N. Also called: MUSCULAR DYSTROPHY-DYSTROGLYCANOPATHY, LIMB-GIRDLE, POMT2-RELATED; Muscular dystrophy-dystroglycanopathy (limb-girdle), type C, 2. Identifiers: Orphanet 206559, MedGen C3150418, MONDO:0013162, OMIM 613158.
Muscular dystrophy-dystroglycanopathy (congenital with impaired intellectual development), type B, 2. Also called: MUSCULAR DYSTROPHY, CONGENITAL, POMT2-RELATED; Muscular dystrophy-dystroglycanopathy (congenital with intellectual disability), type B2. Identifiers: MedGen C3150416, MONDO:0013160, OMIM 613156.
Muscular dystrophy-dystroglycanopathy (congenital with brain and eye anomalies), type A1 (MDDGA1). Also called: WALKER-WARBURG SYNDROME OR MUSCLE-EYE-BRAIN DISEASE, POMT1-RELATED; Hydrocephalus, agyria and retinal dysplasia; Hard +/- E syndrome; Warburg syndrome; Chemke syndrome; Pagon syndrome. Identifiers: Orphanet 588, Orphanet 899, MedGen C4284790, MONDO:0009364, OMIM 236670.

Allele frequency attached by ClinVar (database versions not stated): 1000 Genomes Project 30x 0.00031.
gnomAD v4.1: 6 of 1,570,890 alleles (0.00038%); highest among the groups gnomAD compares: East Asian, 0.012%; no homozygotes.

Submissions (2):

Labcorp Genetics (formerly Invitae), Labcorp
Classification: Uncertain significance for Muscular dystrophy-dystroglycanopathy (congenital with impaired intellectual development), type B, 2; Muscular dystrophy-dystroglycanopathy (congenital with brain and eye anomalies), type A2; Autosomal recessive limb-girdle muscular dystrophy type 2N. Last evaluated: 2022-09-13. Review status: criteria provided, single submitter. Criteria: Invitae Variant Classification Sherloc (09022015). Collection method: clinical testing. Allele origin: germline.
Comment: This sequence change replaces arginine, which is basic and polar, with glycine, which is neutral and non-polar, at codon 40 of the POMT2 protein (p.Arg40Gly). This variant is present in population databases (rs755650000, gnomAD 0.01%). This variant has not been reported in the literature in individuals affected with POMT2-related conditions. ClinVar contains an entry for this variant (Variation ID: 1393055). Algorithms developed to predict the effect of missense changes on protein structure and function (SIFT, PolyPhen-2, Align-GVGD) all suggest that this variant is likely to be tolerated. In summary, the available evidence is currently insufficient to determine the role of this variant in disease. Therefore, it has been classified as a Variant of Uncertain Significance.

Fulgent Genetics
Classification: Uncertain significance for Muscular dystrophy-dystroglycanopathy (congenital with brain and eye anomalies), type A1; Muscular dystrophy-dystroglycanopathy (congenital with brain and eye anomalies), type A2; Muscular dystrophy-dystroglycanopathy (congenital with impaired intellectual development), type B, 2; Autosomal recessive limb-girdle muscular dystrophy type 2N. Last evaluated: 2021-12-06. Review status: criteria provided, single submitter. Criteria: ACMG Guidelines, 2015. Collection method: clinical testing. Allele origin: unknown.